The following is an entry in ClinVar:

ClinVar aggregate classification (germline): Uncertain significance. Review status: criteria provided, multiple submitters, no conflicts (2 of 4 stars). 5 submissions from 5 submitters: Uncertain significance (5). Last evaluated 2025-10-05.

Conditions:
Loeys-Dietz syndrome 2 (LDS2). Also called: Marfan syndrome, type 2 (formerly); Marfan Syndrome type 2; Marfan like connective tissue disorder; MFS 2; AORTIC ANEURYSM, FAMILIAL THORACIC 3; MARFAN SYNDROME, TYPE II. Identifiers: Orphanet 284973, Orphanet 558, MedGen C2674574, MONDO:0012427, OMIM 610168.
Familial thoracic aortic aneurysm and aortic dissection (TAAD). Also called: Thoracic aortic aneurysms and dissections. Identifiers: Orphanet 91387, MedGen C4707243, MONDO:0019625.

Allele frequency attached by ClinVar (database versions not stated): gnomAD exomes below 0.00001; gnomAD 0.00001; TOPMed 0.00001.
gnomAD v4.1: 5 of 1,614,038 alleles (0.00031%); highest among the groups gnomAD compares: Admixed American, 0.005%; no homozygotes.

Submissions (5):

Labcorp Genetics (formerly Invitae), Labcorp
Classification: Uncertain significance for Familial thoracic aortic aneurysm and aortic dissection. Last evaluated: 2025-10-05. Review status: criteria provided, single submitter. Criteria: Invitae Variant Classification Sherloc (09022015). Collection method: clinical testing. Allele origin: germline.
Comment: This sequence change replaces glutamic acid, which is acidic and polar, with valine, which is neutral and non-polar, at codon 466 of the TGFBR2 protein (p.Glu466Val). This variant is present in population databases (no rsID available, gnomAD 0.003%). This variant has not been reported in the literature in individuals affected with TGFBR2-related conditions. ClinVar contains an entry for this variant (Variation ID: 926929). Invitae Evidence Modeling of protein sequence and biophysical properties (such as structural, functional, and spatial information, amino acid conservation, physicochemical variation, residue mobility, and thermodynamic stability) has been performed for this missense variant. However, the output from this modeling did not meet the statistical confidence thresholds required to predict the impact of this variant on TGFBR2 protein function. Algorithms developed to predict the effect of sequence changes on RNA splicing suggest that this variant may create or strengthen a splice site. In summary, the available evidence is currently insufficient to determine the role of this variant in disease. Therefore, it has been classified as a Variant of Uncertain Significance.

Color Diagnostics, LLC DBA Color Health
Classification: Uncertain significance for Familial thoracic aortic aneurysm and aortic dissection. Last evaluated: 2025-07-15. Review status: criteria provided, single submitter. Criteria: ACMG Guidelines, 2015. Collection method: clinical testing. Allele origin: germline.
Comment: This missense variant replaces glutamic acid with valine at codon 466 of the TGFBR2 protein. Computational prediction suggests that this variant may have deleterious impact on protein structure and function. To our knowledge, functional studies have not been reported for this variant. This variant has not been reported in individuals affected with TGFBR2-related disorders in the literature. This variant has been identified in 2/282522 chromosomes in the general population by the Genome Aggregation Database (gnomAD). The available evidence is insufficient to determine the role of this variant in disease conclusively. Therefore, this variant is classified as a Variant of Uncertain Significance.

GeneDx
Classification: Uncertain significance. Last evaluated: 2024-11-21. Review status: criteria provided, single submitter. Criteria: GeneDx Variant Classification Process June 2021. Collection method: clinical testing. Allele origin: germline. Affected: yes.
Comment: Reported in a meeting abstract as an identified variant in a cohort of individuals with thoracic aortic aneurysm, however specific clinical information was not provided (Mirshahi et al. (2023) Genetic Basis of Thoracic Aortic Aneurysms in a Large Unselected Clinical Population. [Abstract]; JVS-Vascular Science, DOI 10.1016/j.jvssci.2023.100164); Not observed at significant frequency in large population cohorts (gnomAD); In silico analysis suggests this variant may impact gene splicing. In the absence of RNA/functional studies, the actual effect of this sequence change is unknown.; In silico analysis supports that this missense variant has a deleterious effect on protein structure/function

All of Us Research Program, National Institutes of Health
Classification: Uncertain significance for Loeys-Dietz syndrome 2. Last evaluated: 2023-08-23. Review status: criteria provided, single submitter. Criteria: ACMG Guidelines, 2015. Collection method: clinical testing. Allele origin: germline. Inheritance: Autosomal dominant inheritance. Observed: 6 variant alleles, 6 heterozygotes.
Comment: This variant is located in the TGFBR2 protein. Computational prediction suggests that this variant may have deleterious impact on protein structure and function (internally defined REVEL score threshold >= 0.7, PMID: 27666373). To our knowledge, functional studies have not been reported for this variant. This variant has not been reported in individuals affected with cardiovascular disorders in the literature. This variant has been identified in 2/282522 chromosomes in the general population by the Genome Aggregation Database (gnomAD). The available evidence is insufficient to determine the role of this variant in disease conclusively. Therefore, this variant is classified as a Variant of Uncertain Significance.

This study involves interpretation of variants in research participants for the purpose of population health screening. Participant phenotype was not available at the time of variant classification. Additional details can be found in publication PMID: 35346344, PMCID: PMC8962531

Ambry Genetics
Classification: Uncertain significance for Familial thoracic aortic aneurysm and aortic dissection. Last evaluated: 2017-12-26. Review status: criteria provided, single submitter. Criteria: Ambry Variant Classification Scheme 2023. Collection method: clinical testing. Allele origin: germline.
Comment: The p.E466V variant (also known as c.1397A>T) is located in coding exon 6 of the TGFBR2 gene. The glutamic acid at codon 466 is replaced by valine, an amino acid with dissimilar properties. This change occurs in the first base pair of coding exon 6. This amino acid position is well conserved in available vertebrate species. In addition, this alteration is predicted to be deleterious by in silico analysis. Since supporting evidence is limited at this time, the clinical significance of this alteration remains unclear.

NM_003242.6(TGFBR2):c.1397A>T (p.Glu466Val)

Gene: TGFBR2 (transforming growth factor beta receptor 2; plus strand). Cytogenetic location: 3p24.1.
Variant type: single nucleotide variant.
Coding change: c.1397A>T on transcript NM_003242.6 (MANE Select); coding-DNA position 1397, A replaced by T.
Protein change: p.Glu466Val; replaces glutamic acid 466 with valine.
Molecular consequence: missense variant.
Genome position (GRCh38, 1-based): chr3:30,688,384, A>T. VCF-style: chr3-30688384-A-T. GRCh37 (hg19) VCF-style: chr3-30729876-A-T.
Other names: c.1472A>T, p.Glu491Val (NM_001024847.3); c.1580A>T, p.Glu527Val (NM_001407126.1); c.1505A>T, p.Glu502Val (NM_001407127.1); c.1424A>T, p.Glu475Val (NM_001407128.1); c.1400A>T, p.Glu467Val (NM_001407129.1); c.1292A>T, p.Glu431Val (NM_001407132.1, NM_001407133.1, NM_001407134.1 and 2 more transcripts); c.1112A>T, p.Glu371Val (NM_001407137.1); c.1037A>T, p.Glu346Val (NM_001407138.1); short protein forms E491V, E466V, E467V, E502V, E346V, E371V, E431V, E475V.
Identifiers: ClinVar variation 926929 (VCV000926929.14), dbSNP rs1321865816, ClinGen allele CA351809187.